The following is an entry in ClinVar:

NM_017636.4(TRPM4):c.3026G>A (p.Gly1009Asp)

Gene: TRPM4 (transient receptor potential cation channel subfamily M member 4; plus strand). Cytogenetic location: 19q13.33.
Variant type: single nucleotide variant.
Coding change: c.3026G>A on transcript NM_017636.4 (MANE Select); coding-DNA position 3026, G replaced by A.
Protein change: p.Gly1009Asp; replaces glycine 1009 with aspartic acid.
Molecular consequence: missense variant.
Genome position (GRCh38, 1-based): chr19:49,202,036, G>A. VCF-style: chr19-49202036-G-A. GRCh37 (hg19) VCF-style: chr19-49705293-G-A.
Other names: c.2591G>A, p.Gly864Asp (NM_001195227.2); c.2681G>A, p.Gly894Asp (NM_001321281.2); c.1418G>A, p.Gly473Asp (NM_001321282.2); c.2504G>A, p.Gly835Asp (NM_001321283.2); c.1964G>A, p.Gly655Asp (NM_001321285.2); short protein forms G655D, G1009D, G894D, G864D, G473D, G835D.
Identifiers: ClinVar variation 1382401 (VCV001382401.8), dbSNP rs771524054, ClinGen allele CA9569750.

ClinVar aggregate classification (germline): Uncertain significance. Review status: criteria provided, multiple submitters, no conflicts (2 of 4 stars). 2 submissions from 2 submitters: Uncertain significance (2). Last evaluated 2022-04-21.

Conditions:
Cardiovascular phenotype. Identifiers: MedGen CN230736.
Progressive familial heart block type IB (PFHB1B). Identifiers: Orphanet 871, MedGen C1970298, MONDO:0011474, OMIM 604559.

Allele frequency attached by ClinVar (database versions not stated): gnomAD exomes below 0.00001; gnomAD 0.00001 and 0.00002; TOPMed 0.00002.
gnomAD v4.1: 4 of 1,613,838 alleles (0.00025%); highest among the groups gnomAD compares: African/African-American, 0.004%; no homozygotes.

Submissions (2):

Ambry Genetics
Classification: Uncertain significance for Cardiovascular phenotype. Last evaluated: 2022-04-21. Review status: criteria provided, single submitter. Criteria: Ambry Variant Classification Scheme 2023. Collection method: clinical testing. Allele origin: germline.
Comment: The p.G1009D variant (also known as c.3026G>A), located in coding exon 20 of the TRPM4 gene, results from a G to A substitution at nucleotide position 3026. The glycine at codon 1009 is replaced by aspartic acid, an amino acid with similar properties. This amino acid position is conserved. In addition, this alteration is predicted to be tolerated by in silico analysis. Since supporting evidence is limited at this time, the clinical significance of this alteration remains unclear.

Labcorp Genetics (formerly Invitae), Labcorp
Classification: Uncertain significance for Progressive familial heart block type IB. Last evaluated: 2021-11-26. Review status: criteria provided, single submitter. Criteria: Invitae Variant Classification Sherloc (09022015). Collection method: clinical testing. Allele origin: germline.
Comment: In summary, the available evidence is currently insufficient to determine the role of this variant in disease. Therefore, it has been classified as a Variant of Uncertain Significance. Algorithms developed to predict the effect of missense changes on protein structure and function (SIFT, PolyPhen-2, Align-GVGD) all suggest that this variant is likely to be tolerated. This variant has not been reported in the literature in individuals affected with TRPM4-related conditions. This sequence change replaces glycine, which is neutral and non-polar, with aspartic acid, which is acidic and polar, at codon 1009 of the TRPM4 protein (p.Gly1009Asp). This variant is present in population databases (rs771524054, gnomAD 0.007%).